The following is an entry in ClinVar:

NM_018972.4(GDAP1):c.393G>C (p.Leu131Phe)

Gene: GDAP1 (ganglioside induced differentiation associated protein 1; plus strand). Cytogenetic location: 8q21.11.
Variant type: single nucleotide variant.
Coding change: c.393G>C on transcript NM_018972.4 (MANE Select); coding-DNA position 393, G replaced by C.
Protein change: p.Leu131Phe; replaces leucine 131 with phenylalanine.
Molecular consequence: missense variant. On other transcripts: intron variant (1).
Genome position (GRCh38, 1-based): chr8:74,360,219, G>C. VCF-style: chr8-74360219-G-C. GRCh37 (hg19) VCF-style: chr8-75272454-G-C.
Other names: c.189G>C, p.Leu63Phe (NM_001040875.4); c.66G>C, p.Leu22Phe (NM_001362929.2, NM_001362932.2); c.393G>C, p.Leu131Phe (NM_001362931.2); c.311-1665G>C (NM_001362930.2); short protein forms L131F, L63F, L22F.
Identifiers: ClinVar variation 666106 (VCV000666106.8), dbSNP rs1586803187, ClinGen allele CA371548628.

ClinVar aggregate classification (germline): Likely pathogenic (1 of 4 stars; one submission).

Conditions:
Charcot-Marie-Tooth disease type 4A. Also called: Charcot-Marie-Tooth disease, demyelinating, autosomal recessive, type 4a. Identifiers: Orphanet 99948, MedGen C1859198, MONDO:0008961, OMIM 214400.

Submission:

Labcorp Genetics (formerly Invitae), Labcorp
Classification: Likely pathogenic for Charcot-Marie-Tooth disease type 4A. Last evaluated: 2022-02-01. Review status: criteria provided, single submitter. Criteria: Invitae Variant Classification Sherloc (09022015). Collection method: clinical testing. Allele origin: germline.
Comment: This sequence change replaces leucine, which is neutral and non-polar, with phenylalanine, which is neutral and non-polar, at codon 131 of the GDAP1 protein (p.Leu131Phe). This variant is not present in population databases (gnomAD no frequency). This missense change has been observed in individual(s) with clinical features of autosomal recessive Charcot-Marie-Tooth disease (Invitae). In at least one individual the data is consistent with being in trans (on the opposite chromosome) from a pathogenic variant. ClinVar contains an entry for this variant (Variation ID: 666106). Advanced modeling of protein sequence and biophysical properties (such as structural, functional, and spatial information, amino acid conservation, physicochemical variation, residue mobility, and thermodynamic stability) performed at Invitae indicates that this missense variant is expected to disrupt GDAP1 protein function. In summary, the currently available evidence indicates that the variant is pathogenic, but additional data are needed to prove that conclusively. Therefore, this variant has been classified as Likely Pathogenic.